The following is an entry in ClinVar:

ClinVar aggregate classification (germline): Pathogenic. Review status: criteria provided, multiple submitters, no conflicts (2 of 4 stars). 4 submissions from 4 submitters: Pathogenic (3). 1 of the submissions does not count toward it. Last evaluated 2026-06-09.

Conditions:
Biotinidase deficiency. Also called: BTD deficiency; Late-onset biotin-responsive multiple carboxylase deficiency; Biotin deficiency. Identifiers: Orphanet 79241, MedGen C0220754, MONDO:0009665, OMIM 253260.

Submissions (4):

Quest Diagnostics Nichols Institute San Juan Capistrano
Classification: Pathogenic. Last evaluated: 2026-06-09. Review status: criteria provided, single submitter. Criteria: Quest Diagnostics criteria. Collection method: clinical testing. Allele origin: unknown.
Comment: The combination of these variants is associated with profound biotinidase deficiency and results in <10% of normal serum BTD activity (PMIDs: 10206677 (1998), 9654207 (1998), 10400129 (1999), 27329734 (2016), 28498829 (2017), 38299772 (2024)).

Johns Hopkins Genomics, Johns Hopkins University
Classification: Pathogenic for Biotinidase deficiency. Last evaluated: 2021-06-21. Review status: criteria provided, single submitter. Criteria: ACMG Guidelines, 2015. Collection method: clinical testing. Allele origin: germline.
Comment: c.[451G>A;1270G>C] is a complex allele containing two BTD variants (rs13073139; rs13078881) that are located on the same chromosome (in cis). Each variant has an entry in ClinVar. c.451G>A is rare (<0.1%) in a large population dataset (gnomAD: 87/282712 total alleles, 0.03%, no homozygotes), while c.1207G>C is polymorphic (3.19%) in most ancestral populations. This allele is a common cause of profound bioitinidase deficiency (less than 10% mean normal activity in serum) when it occurs in a compound heterozygous state (in trans) with another pathogenic BTD variant. It accounts for approximately 17% of BTD variants in children with profound biotinidase deficiency identified by newborn screening in the United States. We consider this complex allele, which combines c.451G>A and c.1207G>C, to be pathogenic.

Laboratory for Molecular Medicine, Mass General Brigham Personalized Medicine
Classification: Pathogenic for Biotinidase deficiency. Last evaluated: 2017-01-31. Review status: criteria provided, single submitter. Criteria: LMM Criteria. Collection method: clinical testing. Allele origin: germline. Inheritance: Autosomal recessive inheritance. Observed: 1 variant allele.
Comment: The p.[Ala171Thr;Asp444His] (NM_000060.2 c.[511G>A;1330G>C]) allele in BTD has p reviously been reported in several compound heterozygous individuals with biotin idase deficiency (Norrgard 1998 and Borsatto 2014). While the frequency of the c ombined allele in the general population is not documented, the p.Ala171Thr vari ant has only been reported in individuals who carried the more common partial de ficiency p.Asp444His variant, suggesting that these two variants may always occu r on the same chromosome and the frequency of the combined allele may be the sam e as the reported frequency of the p.Ala171Thr variant alone in the population (47/120,592 of chromosomes by the Exome Aggregation Consortium (ExAC; dbSNP rs13073139)); however, this cannot be conclusively d etermined. In summary, the p.[Ala171Thr;Asp444His] allele meets our criteria to be classified as pathogenic for biotinidase deficiency in an autosomal recessive manner primarily based upon its occurrence in trans with other pathogenic varia nts in affected individuals. Although the p.Asp444His variant on its own has par tial activity, the p.[Ala171Thr;Asp444His] combined allele is thought to represe nt a more severe effect.

OMIM
Classification: Pathogenic for BIOTINIDASE DEFICIENCY. Last evaluated: 2011-01-12. Review status: no assertion criteria provided. Collection method: literature only. Allele origin: germline. Not counted in ClinVar's aggregate classification.

Literature cited by the submitters: PubMed 10206677 (cited by Quest Diagnostics Nichols Institute San Juan Capistrano and Johns Hopkins Genomics, Johns Hopkins University); PubMed 9654207 (cited by 3 submitters); PubMed 10400129 (cited by Quest Diagnostics Nichols Institute San Juan Capistrano and OMIM); PubMed 27329734 (cited by Quest Diagnostics Nichols Institute San Juan Capistrano); PubMed 28498829 (cited by Quest Diagnostics Nichols Institute San Juan Capistrano); PubMed 38299772 (cited by Quest Diagnostics Nichols Institute San Juan Capistrano); PubMed 20556795 (cited by Johns Hopkins Genomics, Johns Hopkins University); PubMed 9375914 (cited by Johns Hopkins Genomics, Johns Hopkins University and OMIM); PubMed 7509806 (cited by OMIM); Norrgard, K. J., Swango, K. L., Wolf, B. Mutation (D444H) in the biotinidase gene causes approximately 50% loss of enzyme activity and is common in the general population. (Abstract) Am. J. Hum. Genet. 59 (suppl.): A275-only, 1996. (cited by OMIM); PubMed 21228398 (cited by OMIM).

NM_000060.2(BTD):c.[511G>A;1330G>C]

Variant type: Haplotype.
Identifiers: ClinVar variation 25016 (VCV000025016.11).